The following is an entry in ClinVar:

ClinVar aggregate classification (germline): Benign. Review status: criteria provided, multiple submitters, no conflicts (2 of 4 stars). 3 submissions from 3 submitters: Benign (3). Last evaluated 2021-07-30.

Conditions:
Hypophosphatemic rickets, autosomal recessive, 1 (ARHR1). Also called: HYPOPHOSPHATEMIA, AUTOSOMAL RECESSIVE. Identifiers: Orphanet 289176, MedGen C4551495, MONDO:0009430, OMIM 241520. Disease mechanism: loss of function.

Allele frequency attached by ClinVar (database versions not stated): ESP Exome Variant Server 0.27280; TOPMed 0.27765; gnomAD 0.27831; 1000 Genomes Project 0.32129; 1000 Genomes Project 30x 0.32448.

Submissions (3):

Genome-Nilou Lab
Classification: Benign for Hypophosphatemic rickets, autosomal recessive, 1. Last evaluated: 2021-07-30. Review status: criteria provided, single submitter. Criteria: ACMG Guidelines, 2015. Collection method: clinical testing. Allele origin: germline. Affected: no.

Illumina Laboratory Services, Illumina
Classification: Benign for Hypophosphatemic rickets, autosomal recessive, 1. Last evaluated: 2018-01-12. Review status: criteria provided, single submitter. Criteria: ICSL Variant Classification Criteria 13 December 2019. Collection method: clinical testing. Allele origin: germline.
Comment: This variant was observed in the ICSL laboratory as part of a predisposition screen in an ostensibly healthy population. It had not been previously curated by ICSL or reported in the Human Gene Mutation Database (HGMD: prior to June 1st, 2018), and was therefore a candidate for classification through an automated scoring system. Utilizing variant allele frequency, disease prevalence and penetrance estimates, and inheritance mode, an automated score was calculated to assess if this variant is too frequent to cause the disease. Based on the score and internal cut-off values, a variant classified as benign is not then subjected to further curation. The score for this variant resulted in a classification of benign for this disease.

Breakthrough Genomics
Classification: Benign. Review status: criteria provided, single submitter. Criteria: ACMG Guidelines, 2015. Collection method: not provided. Allele origin: germline. Inheritance: Autosomal recessive inheritance. Affected: yes.

NM_004407.4(DMP1):c.*35G>A

Genes: DMP1 (dentin matrix acidic phosphoprotein 1; plus strand), DMP1-AS1 (DMP1 and DSPP antisense RNA 1; minus strand). Cytogenetic location: 4q22.1.
Variant type: single nucleotide variant.
Coding change: c.*35G>A on transcript NM_004407.4 (MANE Select); 35 bases downstream of the stop codon, G replaced by A.
Molecular consequence: 3 prime UTR variant.
Genome position (GRCh38, 1-based): chr4:87,663,355, G>A. VCF-style: chr4-87663355-G-A. GRCh37 (hg19) VCF-style: chr4-88584507-G-A.
Other names: c.*35G>A (NM_001079911.3).
Identifiers: ClinVar variation 349989 (VCV000349989.9), dbSNP rs2627724, ClinGen allele CA3002227.